The following is an entry in ClinVar:

ClinVar aggregate classification (germline): Likely benign. Review status: criteria provided, multiple submitters, no conflicts (2 of 4 stars). 3 submissions from 3 submitters: Likely benign (3). Last evaluated 2025-12-08.

Conditions:
Hereditary cancer-predisposing syndrome. Also called: Hereditary Cancer Syndrome; Neoplastic Syndromes, Hereditary; Tumor predisposition; Hereditary neoplastic syndrome. Identifiers: Orphanet 140162, MedGen C0027672, MeSH D009386, MONDO:0015356.
Familial cancer of breast. Also called: Hereditary breast cancer; BREAST CANCER, FAMILIAL; hereditary breast carcinoma. Identifiers: Orphanet 227535, MedGen C0346153, MONDO:0016419, OMIM 114480. Disease mechanism: loss of function.

Allele frequency attached by ClinVar (database versions not stated): gnomAD exomes below 0.00001; TOPMed below 0.00001; ExAC 0.00001.

Submissions (3):

Labcorp Genetics (formerly Invitae), Labcorp
Classification: Likely benign for Familial cancer of breast. Last evaluated: 2025-12-08. Review status: criteria provided, single submitter. Criteria: Invitae Variant Classification Sherloc (09022015). Collection method: clinical testing. Allele origin: germline.

GeneDx
Classification: Likely benign. Last evaluated: 2017-11-22. Review status: criteria provided, single submitter. Criteria: GeneDx Variant Classification (06012015). Collection method: clinical testing. Allele origin: germline. Affected: yes.
Comment: This variant is considered likely benign or benign based on one or more of the following criteria: it is a conservative change, it occurs at a poorly conserved position in the protein, it is predicted to be benign by multiple in silico algorithms, and/or has population frequency not consistent with disease.

Color Diagnostics, LLC DBA Color Health
Classification: Likely benign for Hereditary cancer-predisposing syndrome. Last evaluated: 2017-11-06. Review status: criteria provided, single submitter. Criteria: ACMG Guidelines, 2015. Collection method: clinical testing. Allele origin: germline.

NM_000465.4(BARD1):c.1903+17A>G

Gene: BARD1 (BRCA1 associated RING domain 1; minus strand). Cytogenetic location: 2q35.
Variant type: single nucleotide variant.
Coding change: c.1903+17A>G on transcript NM_000465.4 (MANE Select); 17 bases into the intron after coding-DNA position 1903, A replaced by G.
Molecular consequence: intron variant.
Genome position (GRCh38, 1-based): chr2:214,745,050, T>C on the plus strand (A>G on the coding strand, the complement: BARD1 is on the minus strand). VCF-style: chr2-214745050-T-C. GRCh37 (hg19) VCF-style: chr2-215609774-T-C.
Other names: c.1903+17A>G (LRG_297t1); c.493+17A>G (NM_001282548.2); c.1846+17A>G (NM_001282543.2); c.550+17A>G (NM_001282545.2); c.365-14542A>G (NM_001282549.2).
Identifiers: ClinVar variation 490950 (VCV000490950.12), dbSNP rs771914644, ClinGen allele CA2090140.
Genomic context (GRCh38, chr2:214,745,050, plus strand): 5'-TAATCACAGGCATTAATAACCATGAAAAACAAAACTAGTCTAATTCATTTCTTAATTCTC[T>C]CAAATCCAACACTTACATTCAAATTTTAGAATCCAGCATCCATTGAGAATCCCAAGCATA-3'